The following is an entry in ClinVar:

NM_000350.3(ABCA4):c.3862+6G>A

Genes: ABCA4 (ATP binding cassette subfamily A member 4; minus strand), LOC126805794 (BRD4-independent group 4 enhancer GRCh37_chr1:94502188-94503387; plus strand). Cytogenetic location: 1p22.1.
Variant type: single nucleotide variant.
Coding change: c.3862+6G>A on transcript NM_000350.3 (MANE Select); 6 bases into the intron after coding-DNA position 3862, G replaced by A.
Molecular consequence: intron variant.
Genome position (GRCh38, 1-based): chr1:94,036,734, C>T on the plus strand (G>A on the coding strand, the complement: ABCA4 is on the minus strand). VCF-style: chr1-94036734-C-T. GRCh37 (hg19) VCF-style: chr1-94502290-C-T.
Identifiers: ClinVar variation 2139674 (VCV002139674.3), dbSNP rs1660347227, ClinGen allele CA1181417415.
Genomic context (GRCh38, chr1:94,036,734, plus strand): 5'-GACTTTCGAGATGGAACTTGGGAGGGAGGCAAGGAAGGGAACAAGCCACTGGCTCCAGCA[C>T]CATACCCGCAAACAGAGGTCCTGAATCAGAATCCTCCGTGACCTTCAGAAAAATCTGTCA-3'

ClinVar aggregate classification (germline): Uncertain significance. Review status: criteria provided, multiple submitters, no conflicts (2 of 4 stars). 2 submissions from 2 submitters: Uncertain significance (2). Last evaluated 2025-03-17.

Allele frequency attached by ClinVar (database versions not stated): gnomAD exomes below 0.00001.
gnomAD v4.1: 2 of 1,614,040 alleles (0.00012%); highest among the groups gnomAD compares: South Asian, 0.0011%; no homozygotes.

Submissions (2):

Labcorp Genetics (formerly Invitae), Labcorp
Classification: Uncertain significance. Last evaluated: 2025-03-17. Review status: criteria provided, single submitter. Criteria: Invitae Variant Classification Sherloc (09022015). Collection method: clinical testing. Allele origin: germline.
Comment: This sequence change falls in intron 26 of the ABCA4 gene. It does not directly change the encoded amino acid sequence of the ABCA4 protein. It affects a nucleotide within the consensus splice site. This variant is not present in population databases (gnomAD no frequency). This variant has not been reported in the literature in individuals affected with ABCA4-related conditions. ClinVar contains an entry for this variant (Variation ID: 2139674). Variants that disrupt the consensus splice site are a relatively common cause of aberrant splicing (PMID: 17576681, 9536098). Algorithms developed to predict the effect of sequence changes on RNA splicing suggest that this variant is not likely to affect RNA splicing. In summary, the available evidence is currently insufficient to determine the role of this variant in disease. Therefore, it has been classified as a Variant of Uncertain Significance.

Breakthrough Genomics
Classification: Uncertain significance. Review status: criteria provided, single submitter. Criteria: ACMG Guidelines, 2015. Collection method: not provided. Allele origin: germline. Inheritance: Autosomal recessive inheritance. Affected: yes.

Literature cited by the submitters: PubMed 17576681 (cited by Labcorp Genetics (formerly Invitae), Labcorp); PubMed 9536098 (cited by Labcorp Genetics (formerly Invitae), Labcorp).